The following is an entry in ClinVar:

ClinVar aggregate classification (germline): Uncertain significance (1 of 4 stars; one submission).

Submission:

Labcorp Genetics (formerly Invitae), Labcorp
Classification: Uncertain significance. Last evaluated: 2025-08-18. Review status: criteria provided, single submitter. Criteria: Invitae Variant Classification Sherloc (09022015). Collection method: clinical testing. Allele origin: germline.
Comment: This sequence change affects codon 22 of the CPA1 mRNA. It is a 'silent' change, meaning that it does not change the encoded amino acid sequence of the CPA1 protein. It affects a nucleotide within the consensus splice site. This variant is not present in population databases (gnomAD no frequency). This variant has not been reported in the literature in individuals affected with CPA1-related conditions. Algorithms developed to predict the effect of sequence changes on RNA splicing suggest that this variant is not likely to affect RNA splicing. In summary, the available evidence is currently insufficient to determine the role of this variant in disease. Therefore, it has been classified as a Variant of Uncertain Significance.

NM_001868.4(CPA1):c.66G>A (p.Gly22=)

Gene: CPA1 (carboxypeptidase A1; plus strand). Cytogenetic location: 7q32.2.
Variant type: single nucleotide variant.
Coding change: c.66G>A on transcript NM_001868.4 (MANE Select); coding-DNA position 66, G replaced by A.
Protein change: p.Gly22=; no amino-acid change (glycine 22 retained).
Molecular consequence: synonymous variant.
Genome position (GRCh38, 1-based): chr7:130,381,098, G>A. VCF-style: chr7-130381098-G-A. GRCh37 (hg19) VCF-style: chr7-130020939-G-A.
Identifiers: ClinVar variation 4805790 (VCV004805790.1).